The following is an entry in ClinVar:

NM_000391.4(TPP1):c.1445G>A (p.Gly482Glu)

Gene: TPP1 (tripeptidyl peptidase 1; minus strand). Cytogenetic location: 11p15.4.
Variant type: single nucleotide variant.
Coding change: c.1445G>A on transcript NM_000391.4 (MANE Select); coding-DNA position 1445, G replaced by A.
Protein change: p.Gly482Glu; replaces glycine 482 with glutamic acid.
Molecular consequence: missense variant.
Genome position (GRCh38, 1-based): chr11:6,614,972, C>T on the plus strand (G>A on the coding strand, the complement: TPP1 is on the minus strand). VCF-style: chr11-6614972-C-T. GRCh37 (hg19) VCF-style: chr11-6636203-C-T.
Other names: short protein forms G482E.
Identifiers: ClinVar variation 3637857 (VCV003637857.2).

ClinVar aggregate classification (germline): Likely pathogenic (1 of 4 stars; one submission).

Submission:

Labcorp Genetics (formerly Invitae), Labcorp
Classification: Likely pathogenic. Last evaluated: 2024-11-09. Review status: criteria provided, single submitter. Criteria: Invitae Variant Classification Sherloc (09022015). Collection method: clinical testing. Allele origin: germline.
Comment: This sequence change replaces glycine, which is neutral and non-polar, with glutamic acid, which is acidic and polar, at codon 482 of the TPP1 protein (p.Gly482Glu). This variant is not present in population databases (gnomAD no frequency). This variant has not been reported in the literature in individuals affected with TPP1-related conditions. Invitae Evidence Modeling of protein sequence and biophysical properties (such as structural, functional, and spatial information, amino acid conservation, physicochemical variation, residue mobility, and thermodynamic stability) indicates that this missense variant is expected to disrupt TPP1 protein function with a positive predictive value of 95%. This variant disrupts the p.Gly482 amino acid residue in TPP1. Other variant(s) that disrupt this residue have been determined to be pathogenic (PMID: 19201763, 32404165). This suggests that this residue is clinically significant, and that variants that disrupt this residue are likely to be disease-causing. In summary, the currently available evidence indicates that the variant is pathogenic, but additional data are needed to prove that conclusively. Therefore, this variant has been classified as Likely Pathogenic.

Literature cited by the submitters: PubMed 19201763; PubMed 32404165.